The following is an entry in ClinVar:

NM_001379291.1(BRD4):c.1551+6G>C

Gene: BRD4 (bromodomain containing 4; minus strand). Cytogenetic location: 19p13.12.
Variant type: single nucleotide variant.
Coding change: c.1551+6G>C on transcript NM_001379291.1 (MANE Select); 6 bases into the intron after coding-DNA position 1551, G replaced by C.
Molecular consequence: intron variant.
Genome position (GRCh38, 1-based): chr19:15,256,958, C>G on the plus strand (G>C on the coding strand, the complement: BRD4 is on the minus strand). VCF-style: chr19-15256958-C-G. GRCh37 (hg19) VCF-style: chr19-15367769-C-G.
Other names: c.1551+6G>C (NM_058243.3, NM_001379292.1, NM_014299.3 and 1 more transcripts).
Identifiers: ClinVar variation 3701900 (VCV003701900.2).

ClinVar aggregate classification (germline): Uncertain significance (1 of 4 stars; one submission).

Submission:

Labcorp Genetics (formerly Invitae), Labcorp
Classification: Uncertain significance. Last evaluated: 2024-08-13. Review status: criteria provided, single submitter. Criteria: Invitae Variant Classification Sherloc (09022015). Collection method: clinical testing. Allele origin: germline.
Comment: This sequence change falls in intron 8 of the BRD4 gene. It does not directly change the encoded amino acid sequence of the BRD4 protein. It affects a nucleotide within the consensus splice site. This variant is not present in population databases (gnomAD no frequency). This variant has not been reported in the literature in individuals affected with BRD4-related conditions. Variants that disrupt the consensus splice site are a relatively common cause of aberrant splicing (PMID: 17576681, 9536098). Algorithms developed to predict the effect of sequence changes on RNA splicing suggest that this variant is not likely to affect RNA splicing. In summary, the available evidence is currently insufficient to determine the role of this variant in disease. Therefore, it has been classified as a Variant of Uncertain Significance.

Literature cited by the submitters: PubMed 17576681; PubMed 9536098.